The following is an entry in ClinVar:

NM_005996.4(TBX3):c.472G>A (p.Ala158Thr)

Gene: TBX3 (T-box transcription factor 3; minus strand). Cytogenetic location: 12q24.21.
Variant type: single nucleotide variant.
Coding change: c.472G>A on transcript NM_005996.4 (MANE Select); coding-DNA position 472, G replaced by A.
Protein change: p.Ala158Thr; replaces alanine 158 with threonine.
Molecular consequence: missense variant.
Genome position (GRCh38, 1-based): chr12:114,681,064, C>T on the plus strand (G>A on the coding strand, the complement: TBX3 is on the minus strand). VCF-style: chr12-114681064-C-T. GRCh37 (hg19) VCF-style: chr12-115118869-C-T.
Other names: c.472G>A, p.Ala158Thr (NM_016569.4); short protein forms A158T.
Identifiers: ClinVar variation 2582191 (VCV002582191.2), dbSNP rs2121153675, ClinGen allele CA386871758.

ClinVar aggregate classification (germline): Uncertain significance. Review status: criteria provided, multiple submitters, no conflicts (2 of 4 stars). 2 submissions from 2 submitters: Uncertain significance (2). Last evaluated 2025-11-18.

Conditions:
Ulnar-mammary syndrome (UMS). Also called: Ulnar-mammary syndrome of Pallister; SCHINZEL SYNDROME; PALLISTER ULNAR-MAMMARY SYNDROME. Identifiers: Orphanet 3138, MedGen C1866994, MONDO:0008411, OMIM 181450.

Allele frequency attached by ClinVar (database versions not stated): gnomAD exomes below 0.00001.
gnomAD v4.1: 1 of 1,613,924 alleles (0.000062%); highest among the groups gnomAD compares: Middle Eastern, 0.016%; no homozygotes.

Submissions (2):

Labcorp Genetics (formerly Invitae), Labcorp
Classification: Uncertain significance for Ulnar-mammary syndrome. Last evaluated: 2025-11-18. Review status: criteria provided, single submitter. Criteria: Invitae Variant Classification Sherloc (09022015). Collection method: clinical testing. Allele origin: germline.
Comment: This sequence change replaces alanine, which is neutral and non-polar, with threonine, which is neutral and polar, at codon 158 of the TBX3 protein (p.Ala158Thr). This variant is not present in population databases (gnomAD no frequency). This variant has not been reported in the literature in individuals affected with TBX3-related conditions. ClinVar contains an entry for this variant (Variation ID: 2582191). An algorithm developed to predict the effect of missense changes on protein structure and function (PolyPhen-2) suggests that this variant is likely to be disruptive. In summary, the available evidence is currently insufficient to determine the role of this variant in disease. Therefore, it has been classified as a Variant of Uncertain Significance.

GeneDx
Classification: Uncertain significance. Last evaluated: 2023-03-31. Review status: criteria provided, single submitter. Criteria: GeneDx Variant Classification Process June 2021. Collection method: clinical testing. Allele origin: germline. Affected: yes.
Comment: Not observed at significant frequency in large population cohorts (gnomAD); In silico analysis supports that this missense variant has a deleterious effect on protein structure/function; Has not been previously published as pathogenic or benign to our knowledge